The following is an entry in ClinVar:

ClinVar aggregate classification (germline): Uncertain significance. Review status: criteria provided, multiple submitters, no conflicts (2 of 4 stars). 2 submissions from 2 submitters: Uncertain significance (2). Last evaluated 2025-07-07.

Conditions:
Charcot-Marie-Tooth disease type 4. Also called: Charcot-Marie-Tooth disease, type IV; Charcot-Marie-Tooth, Type 4. Identifiers: Orphanet 64749, MedGen C4082197, MONDO:0018995.
Inborn genetic diseases. Identifiers: MedGen C0950123, MeSH D030342.

Allele frequency attached by ClinVar (database versions not stated): gnomAD 0.00001; TOPMed 0.00001.
gnomAD v4.1: 7 of 1,613,826 alleles (0.00043%); highest among the groups gnomAD compares: Admixed American, 0.0017%; no homozygotes.

Submissions (2):

Ambry Genetics
Classification: Uncertain significance for Inborn genetic diseases. Last evaluated: 2025-07-07. Review status: criteria provided, single submitter. Criteria: Ambry Variant Classification Scheme 2023. Collection method: clinical testing. Allele origin: germline.
Comment: The p.F690S variant (also known as c.2069T>C), located in coding exon 18 of the FIG4 gene, results from a T to C substitution at nucleotide position 2069. The phenylalanine at codon 690 is replaced by serine, an amino acid with highly dissimilar properties. This amino acid position is conserved. In addition, this alteration is predicted to be deleterious by in silico analysis. Based on the available evidence, the clinical significance of this variant remains unclear.

Labcorp Genetics (formerly Invitae), Labcorp
Classification: Uncertain significance for Charcot-Marie-Tooth disease type 4. Last evaluated: 2021-08-28. Review status: criteria provided, single submitter. Criteria: Invitae Variant Classification Sherloc (09022015). Collection method: clinical testing. Allele origin: germline.
Comment: This sequence change replaces phenylalanine with serine at codon 690 of the FIG4 protein (p.Phe690Ser). The phenylalanine residue is highly conserved and there is a large physicochemical difference between phenylalanine and serine. This variant is not present in population databases (ExAC no frequency). This variant has not been reported in the literature in individuals affected with FIG4-related conditions. Algorithms developed to predict the effect of missense changes on protein structure and function (SIFT, PolyPhen-2, Align-GVGD) all suggest that this variant is likely to be disruptive. In summary, the available evidence is currently insufficient to determine the role of this variant in disease. Therefore, it has been classified as a Variant of Uncertain Significance.

NM_014845.6(FIG4):c.2069T>C (p.Phe690Ser)

Gene: FIG4 (FIG4 phosphoinositide 5-phosphatase; plus strand). Cytogenetic location: 6q21.
Variant type: single nucleotide variant.
Coding change: c.2069T>C on transcript NM_014845.6 (MANE Select); coding-DNA position 2069, T replaced by C.
Protein change: p.Phe690Ser; replaces phenylalanine 690 with serine.
Molecular consequence: missense variant.
Genome position (GRCh38, 1-based): chr6:109,786,422, T>C. VCF-style: chr6-109786422-T-C. GRCh37 (hg19) VCF-style: chr6-110107625-T-C.
Other names: short protein forms F690S.
Identifiers: ClinVar variation 663060 (VCV000663060.9), dbSNP rs1237449502, ClinGen allele CA365231971.